The following is an entry in ClinVar:

ClinVar aggregate classification (germline): Pathogenic (1 of 4 stars; one submission).

Conditions:
Bardet-Biedl syndrome 12 (BBS12). Identifiers: Orphanet 110, MedGen C1859570, MONDO:0014440, OMIM 615989.

Submission:

Kasturba Medical College, Manipal, Kasturba Medical College, Manipal, Manipal Academy of Higher Education, Manipal, India
Classification: Pathogenic for Bardet-Biedl syndrome 12. Last evaluated: 2026-08-12. Review status: criteria provided, single submitter. Criteria: ACMG Guidelines, 2015. Collection method: research. Allele origin: unknown. Inheritance: Autosomal recessive inheritance. Affected: yes. Observed: 1 variant allele, 1 homozygote.
Comment: This variant has not been reported in homozygous and/ or heterozygous state in gnomAD (v4.1.0) population database and our in-house database of 4376 exomes.. This variant is likely to cause shift in the reading frame of the transcript which likely introduces a premature termination codon. This may result in the formation of truncated protein or the transcript to undergo nonsense mediated mRNA decay. Biallelic loss-of-function variants in BBS12 are known to cause Bardet-Biedl syndrome 12. (Niederlova V et al., 2019).

Literature cited by the submitters: PubMed 31283077.

NM_152618.3(BBS12):c.1254del (p.Ser419fs)

Gene: BBS12 (Bardet-Biedl syndrome 12; plus strand). Cytogenetic location: 4q27.
Variant type: Deletion.
Coding change: c.1254del on transcript NM_152618.3 (MANE Select); coding-DNA position 1254, one base deleted (G; older notation c.1254delG).
Protein change: p.Ser419fs; shifts the reading frame from serine 419.
Molecular consequence: frameshift variant.
Genome position (GRCh38, 1-based): chr4:122,743,146, G deleted. VCF-style (leftmost placement, unchanged base first): chr4-122743145-TG-T. GRCh37 (hg19) VCF-style: chr4-123664300-TG-T.
Other names: c.1254del, p.Ser419fs (NM_001178007.2); short protein forms S419fs.
Identifiers: ClinVar variation 4974764 (VCV004974764.1).
Genomic context (GRCh38, chr4:122,743,145, plus strand): 5'-ATCACGTGTTACAGGTGTTAATCCAGTTCAAGGTGAACCTTGTCCTGGTACAAGGAAATG[TG>T]TCCGAACGCTTAATTGAAAAATGTATAAACAGTAAGCGGTTGGTAATCGGCTCAGTGAAT-3'